The following is an entry in ClinVar:

NM_001042492.3(NF1):c.4340_4341delinsCA (p.Gln1447Pro)

Gene: NF1 (neurofibromin 1; plus strand). Cytogenetic location: 17q11.2.
Variant type: Indel.
Coding change: c.4340_4341delinsCA on transcript NM_001042492.3 (MANE Select); coding-DNA positions 4340 to 4341, AG replaced by CA.
Protein change: p.Gln1447Pro; replaces glutamine 1447 with proline.
Molecular consequence: missense variant.
Genome position (GRCh38, 1-based): chr17:31,259,039-31,259,040, AG replaced by CA. VCF-style: chr17-31259039-AG-CA. GRCh37 (hg19) VCF-style: chr17-29586057-AG-CA.
Other names: c.4277_4278delAGinsCA, p.Gln1426Pro (NM_000267.4); short protein forms Q1447P, Q1426P.
Identifiers: ClinVar variation 854788 (VCV000854788.5), dbSNP rs2067635955, ClinGen allele CA916080602.
Genomic context (GRCh38, chr17:31,259,039, plus strand): 5'-AGACTTCATACAATAAATAATCTGATTATTTATAACCCTGTTTTATTGTGTAGATACTTC[AG>CA]AGTATTGCCAATCATGTTCTCTTCACAAAAGAAGAACATATGCGGCCTTTCAATGATTTT-3'
Protein context (NP_001035957.1, residues 1437-1457): RGLKLMSKIL[Gln1447Pro]SIANHVLFTK

ClinVar aggregate classification (germline): Pathogenic (1 of 4 stars; one submission).

Conditions:
Neurofibromatosis, type 1 (NF1). Also called: Neurofibromatosis, type I; VON RECKLINGHAUSEN DISEASE; Peripheral type neurofibromatosis; NEUROFIBROMATOSIS, TYPE I, SOMATIC. Identifiers: Orphanet 636, MedGen C0027831, MONDO:0018975, OMIM 162200. Disease mechanism: loss of function.

Submission:

Labcorp Genetics (formerly Invitae), Labcorp
Classification: Pathogenic for Neurofibromatosis, type 1. Last evaluated: 2019-02-12. Review status: criteria provided, single submitter. Criteria: Invitae Variant Classification Sherloc (09022015). Collection method: clinical testing. Allele origin: germline.
Comment: For these reasons, this variant has been classified as Pathogenic. This variant disrupts the p.Gln1426 amino acid residue in NF1. Other variant(s) that disrupt this residue have been observed in individuals with NF1-related conditions (PMID: 23913538, Invitae), suggesting that it is a clinically significant residue. As a result, variants that disrupt this residue are likely to be causative of disease. Algorithms developed to predict the effect of missense changes on protein structure and function are either unavailable or do not agree on the potential impact of this missense change (SIFT: "Deleterious"; PolyPhen-2: "Benign"; Align-GVGD: "Class C0"). Also, a different variant (c.4277A>C) giving rise to the same protein effect observed here (p.Gln1426Pro) has been observed in an individual affected with NF1 (PMID: 26969325). This variant is not present in population databases (ExAC no frequency). This sequence change replaces glutamine with proline at codon 1426 of the NF1 protein (p.Gln1426Pro). The glutamine residue is highly conserved and there is a moderate physicochemical difference between glutamine and proline.

Literature cited by the submitters: PubMed 23913538; PubMed 26969325.